The following is an entry in ClinVar:

NM_002336.3(LRP6):c.3498G>A (p.Met1166Ile)

Gene: LRP6 (LDL receptor related protein 6; minus strand). Cytogenetic location: 12p13.2.
Variant type: single nucleotide variant.
Coding change: c.3498G>A on transcript NM_002336.3 (MANE Select); coding-DNA position 3498, G replaced by A.
Protein change: p.Met1166Ile; replaces methionine 1166 with isoleucine.
Molecular consequence: missense variant.
Genome position (GRCh38, 1-based): chr12:12,138,434, C>T on the plus strand (G>A on the coding strand, the complement: LRP6 is on the minus strand). VCF-style: chr12-12138434-C-T. GRCh37 (hg19) VCF-style: chr12-12291368-C-T.
Other names: c.3591G>A, p.Met1197Ile (NM_001414244.1); c.3498G>A, p.Met1166Ile (NM_001414245.1, NM_001414246.1, NM_001414248.1 and 3 more transcripts); c.3300G>A, p.Met1100Ile (NM_001414247.1); c.3045G>A, p.Met1015Ile (NM_001414252.1, NM_001414253.1, NM_001414254.1); c.2991G>A, p.Met997Ile (NM_001414255.1); short protein forms M997I, M1100I, M1197I, M1015I, M1166I.
Identifiers: ClinVar variation 2012904 (VCV002012904.4), dbSNP rs1220194730, ClinGen allele CA383954509.

ClinVar aggregate classification (germline): Uncertain significance (1 of 4 stars; one submission).

Submission:

Labcorp Genetics (formerly Invitae), Labcorp
Classification: Uncertain significance. Last evaluated: 2022-07-01. Review status: criteria provided, single submitter. Criteria: Invitae Variant Classification Sherloc (09022015). Collection method: clinical testing. Allele origin: germline.
Comment: Algorithms developed to predict the effect of missense changes on protein structure and function are either unavailable or do not agree on the potential impact of this missense change (SIFT: "Deleterious"; PolyPhen-2: "Benign"; Align-GVGD: "Class C0"). In summary, the available evidence is currently insufficient to determine the role of this variant in disease. Therefore, it has been classified as a Variant of Uncertain Significance. This variant has not been reported in the literature in individuals affected with LRP6-related conditions. This variant is not present in population databases (gnomAD no frequency). This sequence change replaces methionine, which is neutral and non-polar, with isoleucine, which is neutral and non-polar, at codon 1166 of the LRP6 protein (p.Met1166Ile).